The following is an entry in ClinVar:

NM_000057.4(BLM):c.1214A>G (p.Asn405Ser)

Gene: BLM (BLM RecQ like helicase; plus strand). Cytogenetic location: 15q26.1.
Variant type: single nucleotide variant.
Coding change: c.1214A>G on transcript NM_000057.4 (MANE Select); coding-DNA position 1214, A replaced by G.
Protein change: p.Asn405Ser; replaces asparagine 405 with serine.
Molecular consequence: missense variant.
Genome position (GRCh38, 1-based): chr15:90,760,273, A>G. VCF-style: chr15-90760273-A-G. GRCh37 (hg19) VCF-style: chr15-91303503-A-G.
Other names: c.1214A>G, p.Asn405Ser (NM_001287246.2, NM_001287247.2); c.89A>G, p.Asn30Ser (NM_001287248.2); short protein forms N30S, N405S.
Identifiers: ClinVar variation 844912 (VCV000844912.12), dbSNP rs752223894, ClinGen allele CA393842564.

ClinVar aggregate classification (germline): Conflicting classifications of pathogenicity. Review status: criteria provided, conflicting classifications (1 of 4 stars). 2 submissions from 2 submitters: Uncertain significance (1); Likely benign (1). Last evaluated 2024-04-15.

Conditions:
Bloom syndrome (BLM). Also called: Bloom-Torre-Machacek syndrome. Identifiers: Orphanet 125, MedGen C0005859, MONDO:0008876, OMIM 210900.
Hereditary cancer-predisposing syndrome. Also called: Tumor predisposition; Hereditary neoplastic syndrome; Neoplastic Syndromes, Hereditary; Hereditary Cancer Syndrome. Identifiers: Orphanet 140162, MedGen C0027672, MeSH D009386, MONDO:0015356.

gnomAD v4.1: 2 of 1,614,118 alleles (0.00012%); highest among the groups gnomAD compares: Non-Finnish European, 0.00017%; no homozygotes.

Submissions (2):

Labcorp Genetics (formerly Invitae), Labcorp
Classification: Uncertain significance for Bloom syndrome. Last evaluated: 2024-04-15. Review status: criteria provided, single submitter. Criteria: Invitae Variant Classification Sherloc (09022015). Collection method: clinical testing. Allele origin: germline.
Comment: This sequence change replaces asparagine, which is neutral and polar, with serine, which is neutral and polar, at codon 405 of the BLM protein (p.Asn405Ser). This variant is not present in population databases (gnomAD no frequency). This variant has not been reported in the literature in individuals affected with BLM-related conditions. ClinVar contains an entry for this variant (Variation ID: 844912). Advanced modeling of protein sequence and biophysical properties (such as structural, functional, and spatial information, amino acid conservation, physicochemical variation, residue mobility, and thermodynamic stability) performed at Invitae indicates that this missense variant is not expected to disrupt BLM protein function with a negative predictive value of 80%. In summary, the available evidence is currently insufficient to determine the role of this variant in disease. Therefore, it has been classified as a Variant of Uncertain Significance.

Ambry Genetics
Classification: Likely benign for Hereditary cancer-predisposing syndrome. Last evaluated: 2023-12-08. Review status: criteria provided, single submitter. Criteria: Ambry Variant Classification Scheme 2023. Collection method: clinical testing. Allele origin: germline.